The following is an entry in ClinVar:

ClinVar aggregate classification (germline): Uncertain significance (1 of 4 stars; one submission).

Submission:

GeneDx
Classification: Uncertain significance. Last evaluated: 2024-04-19. Review status: criteria provided, single submitter. Criteria: GeneDx Variant Classification Process June 2021. Collection method: clinical testing. Allele origin: germline. Affected: yes.
Comment: Not observed at significant frequency in large population cohorts (gnomAD); In silico analysis indicates that this missense variant does not alter protein structure/function; Has not been previously published as pathogenic or benign to our knowledge

NM_001005273.3(CHD3):c.3421C>A (p.Leu1141Met)

Gene: CHD3 (chromodomain helicase DNA binding protein 3; plus strand). Cytogenetic location: 17p13.1.
Variant type: single nucleotide variant.
Coding change: c.3421C>A on transcript NM_001005273.3 (MANE Select); coding-DNA position 3421, C replaced by A.
Protein change: p.Leu1141Met; replaces leucine 1141 with methionine.
Molecular consequence: missense variant.
Genome position (GRCh38, 1-based): chr17:7,902,987, C>A. VCF-style: chr17-7902987-C-A. GRCh37 (hg19) VCF-style: chr17-7806305-C-A.
Other names: c.3598C>A, p.Leu1200Met (NM_001005271.3); c.3421C>A, p.Leu1141Met (NM_005852.4); short protein forms L1141M, L1200M.
Identifiers: ClinVar variation 3371888 (VCV003371888.1).